The following is an entry in ClinVar:

ClinVar aggregate classification (germline): Uncertain significance (1 of 4 stars; one submission).

Conditions:
Dyskeratosis congenita, autosomal recessive 5 (DKCB5). Identifiers: MedGen C3554656, MONDO:0014076, OMIM 615190.
Pulmonary fibrosis and/or bone marrow failure, Telomere-related, 3. Also called: PULMONARY FIBROSIS AND/OR BONE MARROW FAILURE SYNDROME, TELOMERE-RELATED, 3. Identifiers: Orphanet 2032, MedGen C4225346, MONDO:0014613, OMIM 616373.

Submission:

Labcorp Genetics (formerly Invitae), Labcorp
Classification: Uncertain significance for Dyskeratosis congenita, autosomal recessive 5; Pulmonary fibrosis and/or bone marrow failure, Telomere-related, 3. Last evaluated: 2023-10-23. Review status: criteria provided, single submitter. Criteria: Invitae Variant Classification Sherloc (09022015). Collection method: clinical testing. Allele origin: germline.
Comment: This sequence change replaces glutamine, which is neutral and polar, with lysine, which is basic and polar, at codon 419 of the RTEL1 protein (p.Gln419Lys). This variant is not present in population databases (gnomAD no frequency). This variant has not been reported in the literature in individuals affected with RTEL1-related conditions. Algorithms developed to predict the effect of missense changes on protein structure and function output the following: SIFT: "Not Available"; PolyPhen-2: "Benign"; Align-GVGD: "Not Available". The lysine amino acid residue is found in multiple mammalian species, which suggests that this missense change does not adversely affect protein function. In summary, the available evidence is currently insufficient to determine the role of this variant in disease. Therefore, it has been classified as a Variant of Uncertain Significance.

NM_001283009.2(RTEL1):c.1255C>A (p.Gln419Lys)

Genes: RTEL1 (regulator of telomere elongation helicase 1; plus strand), RTEL1-TNFRSF6B (RTEL1-TNFRSF6B readthrough (NMD candidate); plus strand). Cytogenetic location: 20q13.33.
Variant type: single nucleotide variant.
Coding change: c.1255C>A on transcript NM_001283009.2 (MANE Select); coding-DNA position 1255, C replaced by A.
Protein change: p.Gln419Lys; replaces glutamine 419 with lysine.
Molecular consequence: missense variant. On other transcripts: non-coding transcript variant (1).
Genome position (GRCh38, 1-based): chr20:63,685,586, C>A. VCF-style: chr20-63685586-C-A. GRCh37 (hg19) VCF-style: chr20-62316939-C-A.
Other names: c.586C>A, p.Gln196Lys (NM_001283010.1); c.1255C>A, p.Gln419Lys (NM_016434.4); c.1327C>A, p.Gln443Lys (NM_032957.5); short protein forms Q443K, Q196K, Q419K.
Identifiers: ClinVar variation 2950493 (VCV002950493.3), dbSNP rs2517096898, ClinGen allele CA409675806.